The following is an entry in ClinVar:

ClinVar aggregate classification (germline): Conflicting classifications of pathogenicity. Review status: criteria provided, conflicting classifications (1 of 4 stars). 3 submissions from 3 submitters: Uncertain significance (2); Likely benign (1). Last evaluated 2024-04-09.

Conditions:
Neuromuscular disease caused by qualitative or quantitative defects of dysferlin. Also called: Qualitative or quantitative defects of dysferlin; Dysferlinopathy. Identifiers: Orphanet 207073, MedGen C2931687, MONDO:0016145.

Allele frequency attached by ClinVar (database versions not stated): gnomAD exomes 0.00001; TOPMed 0.00002; gnomAD 0.00003.
gnomAD v4.1: 12 of 1,614,000 alleles (0.00074%); highest among the groups gnomAD compares: African/African-American, 0.004%; no homozygotes.

Submissions (3):

Labcorp Genetics (formerly Invitae), Labcorp
Classification: Likely benign for Neuromuscular disease caused by qualitative or quantitative defects of dysferlin. Last evaluated: 2024-04-09. Review status: criteria provided, single submitter. Criteria: Invitae Variant Classification Sherloc (09022015). Collection method: clinical testing. Allele origin: germline.

GeneDx
Classification: Uncertain significance. Last evaluated: 2019-08-23. Review status: criteria provided, single submitter. Criteria: GeneDx Variant Classification Process June 2021. Collection method: clinical testing. Allele origin: germline. Affected: yes.
Comment: Not observed at a significant frequency in large population cohorts (Lek et al., 2016); In silico analysis, which includes protein predictors and evolutionary conservation, supports a deleterious effect; Has not been previously published as pathogenic or benign to our knowledge

Revvity Omics, Revvity
Classification: Uncertain significance. Last evaluated: 2019-06-27. Review status: criteria provided, single submitter. Criteria: ACMG Guidelines, 2015. Collection method: clinical testing. Allele origin: germline.

NM_001130987.2(DYSF):c.6203C>A (p.Thr2068Asn)

Gene: DYSF (dysferlin; plus strand). Cytogenetic location: 2p13.2.
Variant type: single nucleotide variant.
Coding change: c.6203C>A on transcript NM_001130987.2 (MANE Select); coding-DNA position 6203, C replaced by A.
Protein change: p.Thr2068Asn; replaces threonine 2068 with asparagine.
Molecular consequence: missense variant.
Genome position (GRCh38, 1-based): chr2:71,682,559, C>A. VCF-style: chr2-71682559-C-A. GRCh37 (hg19) VCF-style: chr2-71909689-C-A.
Other names: c.6107C>A, p.Thr2036Asn (NM_001130977.2); c.6149C>A, p.Thr2050Asn (NM_001130978.2); c.6179C>A, p.Thr2060Asn (NM_001130979.2); c.6137C>A, p.Thr2046Asn (NM_001130980.2); c.6200C>A, p.Thr2067Asn (NM_001130981.2); c.6182C>A, p.Thr2061Asn (NM_001130982.2); c.6152C>A, p.Thr2051Asn (NM_001130983.2); c.6110C>A, p.Thr2037Asn (NM_001130984.2); and 5 more; short protein forms T2015N, T2016N, T2029N, T2030N, T2036N, T2037N, T2046N, T2047N.
Identifiers: ClinVar variation 1308026 (VCV001308026.8), dbSNP rs1261660052, ClinGen allele CA347227010.
Genomic context (GRCh38, chr2:71,682,559, plus strand): 5'-GCCCAGTTGACCTCCGGGATCTCGCTTCCAGGCGCCCCGACACCTCCTTCCTGTGGTTTA[C>A]CTCCCCATACAAGACCATGAAGTTCATCCTGTGGCGGCGTTTCCGGTGGGCCATCATCCT-3'
Protein context (NP_001124459.1, residues 2058-2078): RRPDTSFLWF[Thr2068Asn]SPYKTMKFIL